The following is an entry in ClinVar:

NM_033026.6(PCLO):c.4375_4393delinsC (p.Leu1459_Glu1465delinsGln)

Gene: PCLO (piccolo presynaptic cytomatrix protein; minus strand). Cytogenetic location: 7q21.11.
Variant type: Indel.
Coding change: c.4375_4393delinsC on transcript NM_033026.6 (MANE Select); coding-DNA positions 4375 to 4393, TTGGAAATTACTATTTCAG replaced by C.
Protein change: p.Leu1459_Glu1465delinsGln.
Molecular consequence: inframe indel.
Genome position (GRCh38, 1-based): chr7:82,956,560-82,956,578, CTGAAATAGTAATTTCCAA replaced by G on the plus strand (TTGGAAATTACTATTTCAG replaced by C on the coding strand, the reverse complement: PCLO is on the minus strand). VCF-style: chr7-82956560-CTGAAATAGTAATTTCCAA-G. GRCh37 (hg19) VCF-style: chr7-82585876-CTGAAATAGTAATTTCCAA-G.
Other names: c.4375_4393delinsC, p.Leu1459_Glu1465delinsGln (NM_014510.3).
Identifiers: ClinVar variation 3903231 (VCV003903231.1).
Genomic context (GRCh38, chr7:82,956,560, plus strand): 5'-GTTGGCTATCTTTTTTAAAAGTGTCTTTCCTTTCTTCTTGACTCTCTTTGATCTCCTCTT[CTGAAATAGTAATTTCCAA>G]GGTTTCAGATAAACTCTGAGTTTTCTCTTGGTCTTTAGGCTGTTCAGGAGAAACTTCATG-3'

ClinVar aggregate classification (germline): Uncertain significance (1 of 4 stars; one submission).

Submission:

GeneDx
Classification: Uncertain significance. Last evaluated: 2022-09-03. Review status: criteria provided, single submitter. Criteria: GeneDx Variant Classification Process June 2021. Collection method: clinical testing. Allele origin: germline. Affected: yes.
Comment: In-frame deletion of 7 amino acids and insertion of 1 amino acids in a non-repeat region; In silico analysis supports a deleterious effect on protein structure/function; Has not been previously published as pathogenic or benign to our knowledge; Variants in candidate genes are classified as variants of uncertain significance in accordance with ACMG guidelines (Richards et al., 2015)